The following is an entry in ClinVar:

NM_005188.4(CBL):c.313A>C (p.Lys105Gln)

Gene: CBL (Cbl proto-oncogene; plus strand). Cytogenetic location: 11q23.3.
Variant type: single nucleotide variant.
Coding change: c.313A>C on transcript NM_005188.4 (MANE Select); coding-DNA position 313, A replaced by C.
Protein change: p.Lys105Gln; replaces lysine 105 with glutamine.
Molecular consequence: missense variant.
Genome position (GRCh38, 1-based): chr11:119,232,565, A>C. VCF-style: chr11-119232565-A-C. GRCh37 (hg19) VCF-style: chr11-119103275-A-C.
Other names: short protein forms K105Q.
Identifiers: ClinVar variation 2745922 (VCV002745922.3), dbSNP rs2135266265, ClinGen allele CA382894828.

ClinVar aggregate classification (germline): Uncertain significance (1 of 4 stars; one submission).

Conditions:
RASopathy. Also called: rasopathies; Noonan spectrum disorder. Identifiers: Orphanet 536391, MedGen C5555857, MONDO:0021060.

Submission:

Labcorp Genetics (formerly Invitae), Labcorp
Classification: Uncertain significance for RASopathy. Last evaluated: 2023-07-22. Review status: criteria provided, single submitter. Criteria: Invitae Variant Classification Sherloc (09022015). Collection method: clinical testing. Allele origin: germline.
Comment: This variant is not present in population databases (gnomAD no frequency). This variant has not been reported in the literature in individuals affected with CBL-related conditions. Advanced modeling of protein sequence and biophysical properties (such as structural, functional, and spatial information, amino acid conservation, physicochemical variation, residue mobility, and thermodynamic stability) performed at Invitae indicates that this missense variant is not expected to disrupt CBL protein function. In summary, the available evidence is currently insufficient to determine the role of this variant in disease. Therefore, it has been classified as a Variant of Uncertain Significance. This sequence change replaces lysine, which is basic and polar, with glutamine, which is neutral and polar, at codon 105 of the CBL protein (p.Lys105Gln).